The following is an entry in ClinVar:

NM_016169.4(SUFU):c.1157+99G>A

Gene: SUFU (SUFU negative regulator of hedgehog signaling; plus strand). Cytogenetic location: 10q24.32.
Variant type: single nucleotide variant.
Coding change: c.1157+99G>A on transcript NM_016169.4 (MANE Select); 99 bases into the intron after coding-DNA position 1157, G replaced by A.
Molecular consequence: intron variant.
Genome position (GRCh38, 1-based): chr10:102,615,501, G>A. VCF-style: chr10-102615501-G-A. GRCh37 (hg19) VCF-style: chr10-104375258-G-A.
Other names: c.1157+99G>A (NM_001178133.2).
Identifiers: ClinVar variation 1233402 (VCV001233402.4), dbSNP rs2001389, ClinGen allele CA13201948.

ClinVar aggregate classification (germline): Benign. Review status: criteria provided, multiple submitters, no conflicts (2 of 4 stars). 2 submissions from 2 submitters: Benign (2). Last evaluated 2015-03-03.

Allele frequency attached by ClinVar (database versions not stated): gnomAD 0.44703 and 0.45222; gnomAD exomes 0.44774; TOPMed 0.46223; 1000 Genomes Project 30x 0.51390; 1000 Genomes Project 0.51617.
gnomAD v4.1: 704,899 of 1,574,090 alleles (45%); highest among the groups gnomAD compares: East Asian, 72%; 162,165 homozygotes.

Submissions (2):

GeneDx
Classification: Benign. Last evaluated: 2015-03-03. Review status: criteria provided, single submitter. Criteria: GeneDx Variant Classification Process June 2021. Collection method: clinical testing. Allele origin: germline. Affected: yes.
Comment: This variant is associated with the following publications: (PMID: 31237042)

Breakthrough Genomics
Classification: Benign. Review status: criteria provided, single submitter. Criteria: ACMG Guidelines, 2015. Collection method: not provided. Allele origin: germline. Inheritance: Autosomal recessive inheritance. Affected: yes.